The following is an entry in ClinVar:

ClinVar aggregate classification (germline): Uncertain significance (1 of 4 stars; one submission).

Conditions:
Long QT syndrome (LQTS). Identifiers: MedGen C0023976, MeSH D008133, MONDO:0002442. Disease mechanism: loss of function. Inheritance: Various modes of inheritance.

Allele frequency attached by ClinVar (database versions not stated): gnomAD exomes below 0.00001; TOPMed 0.00001.
gnomAD v4.1: 1 of 1,614,136 alleles (0.000062%); highest among the groups gnomAD compares: Admixed American, 0.0017%; no homozygotes.

Submission:

Labcorp Genetics (formerly Invitae), Labcorp
Classification: Uncertain significance for Long QT syndrome. Last evaluated: 2023-06-20. Review status: criteria provided, single submitter. Criteria: Invitae Variant Classification Sherloc (09022015). Collection method: clinical testing. Allele origin: germline.
Comment: This sequence change replaces valine, which is neutral and non-polar, with isoleucine, which is neutral and non-polar, at codon 2557 of the ANK2 protein (p.Val2557Ile). This variant is present in population databases (no rsID available, gnomAD 0.003%). This variant has not been reported in the literature in individuals affected with ANK2-related conditions. An algorithm developed to predict the effect of missense changes on protein structure and function (PolyPhen-2) suggests that this variant is likely to be tolerated. In summary, the available evidence is currently insufficient to determine the role of this variant in disease. Therefore, it has been classified as a Variant of Uncertain Significance.

NM_001148.6(ANK2):c.7669G>A (p.Val2557Ile)

Genes: ANK2 (ankyrin 2; plus strand), LOC126807137 (CDK7 strongly-dependent group 2 enhancer GRCh37_chr4:114276560-114277759; plus strand). Cytogenetic location: 4q26.
Variant type: single nucleotide variant.
Coding change: c.7669G>A on transcript NM_001148.6 (MANE Select); coding-DNA position 7669, G replaced by A.
Protein change: p.Val2557Ile; replaces valine 2557 with isoleucine.
Molecular consequence: missense variant. On other transcripts: intron variant (68).
Genome position (GRCh38, 1-based): chr4:113,356,287, G>A. VCF-style: chr4-113356287-G-A. GRCh37 (hg19) VCF-style: chr4-114277443-G-A.
Other names: c.4241-4536G>A (NM_001354249.2, NM_001354266.2, NM_001354276.2 and 2 more transcripts); c.4208-4536G>A (NM_001386146.1, NM_001386150.1, NM_001386149.1 and 1 more transcripts); c.4193-4536G>A (NM_001354274.2, NM_001386154.1); c.4142-4536G>A (NM_001386151.1, NM_001354260.2, NM_001354271.2); c.4043-4536G>A (NM_001386157.1, NM_001354277.2); c.4361-4536G>A (NM_001386161.1, NM_001354244.2, NM_001354256.2); c.4286-4536G>A (NM_001354261.2); c.4166-4536G>A (NM_001386156.1, NM_001354257.2); and 35 more; short protein forms V2479I, V1357I, V2596I, V2604I, V2557I.
Identifiers: ClinVar variation 2880166 (VCV002880166.3), dbSNP rs1200339662, ClinGen allele CA357931360.